The following is an entry in ClinVar:

NM_194454.3(KRIT1):c.1732G>T (p.Glu578Ter)

Gene: KRIT1 (KRIT1 ankyrin repeat containing; minus strand). Cytogenetic location: 7q21.2.
Variant type: single nucleotide variant.
Coding change: c.1732G>T on transcript NM_194454.3 (MANE Select); coding-DNA position 1732, G replaced by T.
Protein change: p.Glu578Ter; replaces glutamic acid 578 with a stop codon.
Molecular consequence: nonsense.
Genome position (GRCh38, 1-based): chr7:92,213,978, C>A on the plus strand (G>T on the coding strand, the complement: KRIT1 is on the minus strand). VCF-style: chr7-92213978-C-A. GRCh37 (hg19) VCF-style: chr7-91843292-C-A.
Other names: c.1588G>T, p.Glu530Ter (NM_001013406.2, NM_001350669.1, NM_001350670.1); c.1018G>T, p.Glu340Ter (NM_001350671.1); c.1732G>T, p.Glu578Ter (NM_001350672.1, NM_001350673.1, NM_001350674.1 and 26 more transcripts); short protein forms E578*, E530*, E340*.
Identifiers: ClinVar variation 2823302 (VCV002823302.3), dbSNP rs2535716674, ClinGen allele CA368141527.

ClinVar aggregate classification (germline): Pathogenic (1 of 4 stars; one submission).

Conditions:
Cerebral cavernous malformation (CCM). Also called: CEREBRAL CAPILLARY MALFORMATIONS; Cerebral cavernous malformations; Cerebral cavernous hemangioma (type); CAVERNOUS ANGIOMA, FAMILIAL; CAVERNOUS ANGIOMATOUS MALFORMATIONS; Cavernous Hemangioma of Brain. Identifiers: Orphanet 221061, MedGen C2919945, MONDO:0000820, OMIM 116860, HP:0033522.

Submission:

Labcorp Genetics (formerly Invitae), Labcorp
Classification: Pathogenic for Cerebral cavernous malformation. Last evaluated: 2022-12-22. Review status: criteria provided, single submitter. Criteria: Invitae Variant Classification Sherloc (09022015). Collection method: clinical testing. Allele origin: germline.
Comment: This sequence change creates a premature translational stop signal (p.Glu578*) in the KRIT1 gene. It is expected to result in an absent or disrupted protein product. Loss-of-function variants in KRIT1 are known to be pathogenic (PMID: 10508515, 11222804, 12404106, 24689081). This variant is not present in population databases (gnomAD no frequency). This variant has not been reported in the literature in individuals affected with KRIT1-related conditions. Algorithms developed to predict the effect of sequence changes on RNA splicing suggest that this variant may disrupt the consensus splice site. For these reasons, this variant has been classified as Pathogenic.

Literature cited by the submitters: PubMed 10508515; PubMed 11222804; PubMed 12404106; PubMed 24689081.